The following is an entry in ClinVar:

NM_006260.5(DNAJC3):c.520A>G (p.Ile174Val)

Gene: DNAJC3 (DnaJ heat shock protein family (Hsp40) member C3; plus strand). Cytogenetic location: 13q32.1.
Variant type: single nucleotide variant.
Coding change: c.520A>G on transcript NM_006260.5 (MANE Select); coding-DNA position 520, A replaced by G.
Protein change: p.Ile174Val; replaces isoleucine 174 with valine.
Molecular consequence: missense variant.
Genome position (GRCh38, 1-based): chr13:95,757,770, A>G. VCF-style: chr13-95757770-A-G. GRCh37 (hg19) VCF-style: chr13-96410024-A-G.
Other names: short protein forms I174V.
Identifiers: ClinVar variation 4983184 (VCV004983184.1).

ClinVar aggregate classification (germline): Uncertain significance (1 of 4 stars; one submission).

Conditions:
DNAJC3-related disorder. Also called: DNAJC3-related condition.

gnomAD v4.1: 182 of 1,552,340 alleles (0.012%); highest among the groups gnomAD compares: Non-Finnish European, 0.015%; no homozygotes.

Submission:

PreventionGenetics, part of Exact Sciences
Classification: Uncertain significance for DNAJC3-related condition. Last evaluated: 2025-09-04. Review status: criteria provided, single submitter. Criteria: ACMG Guidelines, 2015. Collection method: clinical testing. Allele origin: germline.
Comment: The DNAJC3 c.520A>G variant is predicted to result in the amino acid substitution p.Ile174Val. To our knowledge, this variant has not been reported in the literature. This variant is reported in 0.014% of alleles in individuals of European (Non-Finnish) descent in gnomAD. At this time, the clinical significance of this variant is uncertain due to the absence of conclusive functional and genetic evidence.